The following is an entry in ClinVar:

ClinVar aggregate classification (germline): Uncertain significance (1 of 4 stars; one submission).

gnomAD v4.1: 3 of 1,598,704 alleles (0.00019%); highest among the groups gnomAD compares: East Asian, 0.0022%; no homozygotes.

Submission:

Labcorp Genetics (formerly Invitae), Labcorp
Classification: Uncertain significance. Last evaluated: 2021-06-13. Review status: criteria provided, single submitter. Criteria: Invitae Variant Classification Sherloc (09022015). Collection method: clinical testing. Allele origin: germline.
Comment: This variant has not been reported in the literature in individuals with ASAH1-related conditions. This variant is not present in population databases (ExAC no frequency). This sequence change replaces proline with arginine at codon 2 of the ASAH1 protein (p.Pro2Arg). The proline residue is weakly conserved and there is a moderate physicochemical difference between proline and arginine. In summary, the available evidence is currently insufficient to determine the role of this variant in disease. Therefore, it has been classified as a Variant of Uncertain Significance. Algorithms developed to predict the effect of missense changes on protein structure and function (SIFT, PolyPhen-2, Align-GVGD) all suggest that this variant is likely to be tolerated, but these predictions have not been confirmed by published functional studies and their clinical significance is uncertain.

NM_177924.5(ASAH1):c.5C>G (p.Pro2Arg)

Genes: ASAH1 (N-acylsphingosine amidohydrolase 1; minus strand), LOC129999940 (ATAC-STARR-seq lymphoblastoid silent region 18966; plus strand). Cytogenetic location: 8p22.
Variant type: single nucleotide variant.
Coding change: c.5C>G on transcript NM_177924.5 (MANE Select); coding-DNA position 5, C replaced by G.
Protein change: p.Pro2Arg; replaces proline 2 with arginine.
Molecular consequence: missense variant. On other transcripts: intron variant (2).
Genome position (GRCh38, 1-based): chr8:18,084,054, G>C on the plus strand (C>G on the coding strand, the complement: ASAH1 is on the minus strand). VCF-style: chr8-18084054-G-C. GRCh37 (hg19) VCF-style: chr8-17941563-G-C.
Other names: c.126+622C>G (NM_004315.6, NM_001127505.3); short protein forms P2R.
Identifiers: ClinVar variation 1477009 (VCV001477009.8), dbSNP rs757302859, ClinGen allele CA370435925.